The following is an entry in ClinVar:

ClinVar aggregate classification (germline): Uncertain significance (1 of 4 stars; one submission).

gnomAD v4.1: 3 of 1,537,236 alleles (0.0002%); highest among the groups gnomAD compares: Non-Finnish European, 0.00026%; no homozygotes.

Submission:

Labcorp Genetics (formerly Invitae), Labcorp
Classification: Uncertain significance. Last evaluated: 2022-06-22. Review status: criteria provided, single submitter. Criteria: Invitae Variant Classification Sherloc (09022015). Collection method: clinical testing. Allele origin: germline.
Comment: This sequence change falls in intron 11 of the PIEZO1 gene. It does not directly change the encoded amino acid sequence of the PIEZO1 protein. This variant is present in population databases (no rsID available, gnomAD 0.002%). This variant has not been reported in the literature in individuals affected with PIEZO1-related conditions. Algorithms developed to predict the effect of sequence changes on RNA splicing suggest that this variant may create or strengthen a splice site. In summary, the available evidence is currently insufficient to determine the role of this variant in disease. Therefore, it has been classified as a Variant of Uncertain Significance.

NM_001142864.4(PIEZO1):c.1297-7C>G

Genes: HSALR1 (HSP90AB1 associated lncRNA 1; plus strand), PIEZO1 (piezo type mechanosensitive ion channel component 1 (Er blood group); minus strand). Cytogenetic location: 16q24.3.
Variant type: single nucleotide variant.
Coding change: c.1297-7C>G on transcript NM_001142864.4 (MANE Select); 7 bases into the intron before coding-DNA position 1297, C replaced by G.
Molecular consequence: intron variant.
Genome position (GRCh38, 1-based): chr16:88,736,415, G>C on the plus strand (C>G on the coding strand, the complement: PIEZO1 is on the minus strand). VCF-style: chr16-88736415-G-C. GRCh37 (hg19) VCF-style: chr16-88802823-G-C.
Identifiers: ClinVar variation 2180278 (VCV002180278.4), dbSNP rs866417753, ClinGen allele CA624449664.